The following is an entry in ClinVar:

ClinVar aggregate classification (germline): Uncertain significance (1 of 4 stars; one submission).

Submission:

GeneDx
Classification: Uncertain significance. Last evaluated: 2023-05-14. Review status: criteria provided, single submitter. Criteria: GeneDx Variant Classification Process June 2021. Collection method: clinical testing. Allele origin: germline. Affected: yes.
Comment: Not observed at significant frequency in large population cohorts (gnomAD); In silico analysis supports that this missense variant does not alter protein structure/function; Has not been previously published as pathogenic or benign to our knowledge

NM_005458.8(GABBR2):c.206C>T (p.Ala69Val)

Gene: GABBR2 (gamma-aminobutyric acid type B receptor subunit 2; minus strand). Cytogenetic location: 9q22.33.
Variant type: single nucleotide variant.
Coding change: c.206C>T on transcript NM_005458.8 (MANE Select); coding-DNA position 206, C replaced by T.
Protein change: p.Ala69Val; replaces alanine 69 with valine.
Molecular consequence: missense variant.
Genome position (GRCh38, 1-based): chr9:98,708,532, G>A on the plus strand (C>T on the coding strand, the complement: GABBR2 is on the minus strand). VCF-style: chr9-98708532-G-A. GRCh37 (hg19) VCF-style: chr9-101470814-G-A.
Other names: short protein forms A69V.
Identifiers: ClinVar variation 3343571 (VCV003343571.1).